The following is an entry in ClinVar:

NM_001364905.1(LRBA):c.1219_1220del (p.Leu407fs)

Gene: LRBA (LPS responsive beige-like anchor protein; minus strand). Cytogenetic location: 4q31.3.
Variant type: Deletion.
Coding change: c.1219_1220del on transcript NM_001364905.1 (MANE Select); coding-DNA positions 1219 to 1220, 2 bases deleted (TT; older notation c.1219_1220delTT).
Protein change: p.Leu407fs; shifts the reading frame from leucine 407.
Molecular consequence: frameshift variant.
Genome position (GRCh38, 1-based): chr4:150,908,799-150,908,800, AA deleted on the plus strand (TT on the coding strand, the reverse complement: LRBA is on the minus strand); deleting any 2 consecutive bases within chr4:150,908,799-150,908,802 gives the same sequence; the c. name uses the placement nearest the transcript's 3' end. VCF-style (leftmost placement, unchanged base first): chr4-150908798-TAA-T. GRCh37 (hg19) VCF-style: chr4-151829950-TAA-T.
Other names: c.1219_1220del, p.Leu407fs (NM_001199282.3, NM_001367550.1, NM_001440430.1 and 2 more transcripts); short protein forms L407fs.
Identifiers: ClinVar variation 4880119 (VCV004880119.1).

ClinVar aggregate classification (germline): Likely pathogenic (1 of 4 stars; one submission).

Conditions:
Primary ciliary dyskinesia. Also called: Ciliary dyskinesia. Identifiers: Orphanet 244, MedGen C0008780, MONDO:0016575, HP:0012265.

Submission:

Department of Human Genetics, Hannover Medical School
Classification: Likely pathogenic for Primary Ciliary Dyskinesia. Last evaluated: 2026-04-01. Review status: criteria provided, single submitter. Criteria: ACMG Guidelines, 2015. Collection method: research. Allele origin: germline. Affected: no.
Comment: Classification performed by HerediClassify using the following criteria:['PM2_supporting: Variant occures does not occur as homozygous in gnomAD.', 'PVS1_protein_very_strong: Transcript ENST00000651943 is predicted to undergo NMD.']